The following is an entry in ClinVar:

ClinVar aggregate classification (germline): Likely benign (1 of 4 stars; one submission).

Conditions:
UCP3-related disorder. Also called: UCP3-related condition.

gnomAD v4.1: 4 of 1,613,932 alleles (0.00025%); highest among the groups gnomAD compares: Non-Finnish European, 0.00034%; no homozygotes.

Submission:

PreventionGenetics, part of Exact Sciences
Classification: Likely benign for UCP3-related condition. Last evaluated: 2026-01-27. Review status: criteria provided, single submitter. Criteria: ACMG Guidelines, 2015. Collection method: clinical testing. Allele origin: germline.
Comment: This variant is classified as likely benign based on ACMG/AMP sequence variant interpretation guidelines (Richards et al. 2015 PMID: 25741868, with internal and published modifications).

NM_003356.4(UCP3):c.582T>C (p.Cys194=)

Genes: UCP3 (uncoupling protein 3; minus strand), LOC126861261 (MED14-independent group 3 enhancer GRCh37_chr11:73715060-73716259; plus strand). Cytogenetic location: 11q13.4.
Variant type: single nucleotide variant.
Coding change: c.582T>C on transcript NM_003356.4 (MANE Select); coding-DNA position 582, T replaced by C.
Protein change: p.Cys194=; no amino-acid change (cysteine 194 retained).
Molecular consequence: synonymous variant.
Genome position (GRCh38, 1-based): chr11:74,004,545, A>G on the plus strand (T>C on the coding strand, the complement: UCP3 is on the minus strand). VCF-style: chr11-74004545-A-G. GRCh37 (hg19) VCF-style: chr11-73715590-A-G.
Other names: c.582T>C, p.Cys194= (NM_022803.3).
Identifiers: ClinVar variation 4988872 (VCV004988872.1).